The following is an entry in ClinVar:

NM_001792.5(CDH2):c.317C>T (p.Ala106Val)

Gene: CDH2 (cadherin 2; minus strand). Cytogenetic location: 18q12.1.
Variant type: single nucleotide variant.
Coding change: c.317C>T on transcript NM_001792.5 (MANE Select); coding-DNA position 317, C replaced by T.
Protein change: p.Ala106Val; replaces alanine 106 with valine.
Molecular consequence: missense variant.
Genome position (GRCh38, 1-based): chr18:28,013,765, G>A on the plus strand (C>T on the coding strand, the complement: CDH2 is on the minus strand). VCF-style: chr18-28013765-G-A. GRCh37 (hg19) VCF-style: chr18-25593729-G-A.
Other names: c.224C>T, p.Ala75Val (NM_001308176.2); short protein forms A106V, A75V.
Identifiers: ClinVar variation 2572308 (VCV002572308.4), dbSNP rs2013164007, ClinGen allele CA402244258.

ClinVar aggregate classification (germline): Uncertain significance. Review status: criteria provided, multiple submitters, no conflicts (2 of 4 stars). 2 submissions from 2 submitters: Uncertain significance (2). Last evaluated 2023-06-29.

Allele frequency attached by ClinVar (database versions not stated): gnomAD exomes below 0.00001.
gnomAD v4.1: 1 of 1,613,900 alleles (0.000062%); highest among the groups gnomAD compares: Non-Finnish European, 0.000085%; no homozygotes.

Submissions (2):

Greenwood Genetic Center Diagnostic Laboratories, Greenwood Genetic Center
Classification: Uncertain significance. Last evaluated: 2023-06-29. Review status: criteria provided, single submitter. Criteria: ACMG Guidelines, 2015. Collection method: clinical testing. Allele origin: germline. Affected: yes.
Comment: PM2

Labcorp Genetics (formerly Invitae), Labcorp
Classification: Uncertain significance. Last evaluated: 2023-05-01. Review status: criteria provided, single submitter. Criteria: Invitae Variant Classification Sherloc (09022015). Collection method: clinical testing. Allele origin: germline.
Comment: This sequence change replaces alanine, which is neutral and non-polar, with valine, which is neutral and non-polar, at codon 106 of the CDH2 protein (p.Ala106Val). This variant is not present in population databases (gnomAD no frequency). This variant has not been reported in the literature in individuals affected with CDH2-related conditions. An algorithm developed to predict the effect of missense changes on protein structure and function (PolyPhen-2) suggests that this variant is likely to be disruptive. In summary, the available evidence is currently insufficient to determine the role of this variant in disease. Therefore, it has been classified as a Variant of Uncertain Significance.